The following is an entry in ClinVar:

ClinVar aggregate classification (germline): Uncertain significance (1 of 4 stars; one submission).

Submission:

Labcorp Genetics (formerly Invitae), Labcorp
Classification: Uncertain significance. Last evaluated: 2022-07-24. Review status: criteria provided, single submitter. Criteria: Invitae Variant Classification Sherloc (09022015). Collection method: clinical testing. Allele origin: germline.
Comment: Algorithms developed to predict the effect of missense changes on protein structure and function are either unavailable or do not agree on the potential impact of this missense change (SIFT: "Deleterious"; PolyPhen-2: "Possibly Damaging"; Align-GVGD: "Class C0"). In summary, the available evidence is currently insufficient to determine the role of this variant in disease. Therefore, it has been classified as a Variant of Uncertain Significance. This variant has not been reported in the literature in individuals affected with KIAA1549-related conditions. This variant is not present in population databases (gnomAD no frequency). This sequence change replaces valine, which is neutral and non-polar, with leucine, which is neutral and non-polar, at codon 1039 of the KIAA1549 protein (p.Val1039Leu).

NM_001164665.2(KIAA1549):c.3115G>C (p.Val1039Leu)

Gene: KIAA1549 (KIAA1549; minus strand). Cytogenetic location: 7q34.
Variant type: single nucleotide variant.
Coding change: c.3115G>C on transcript NM_001164665.2 (MANE Select); coding-DNA position 3115, G replaced by C.
Protein change: p.Val1039Leu; replaces valine 1039 with leucine.
Molecular consequence: missense variant.
Genome position (GRCh38, 1-based): chr7:138,911,176, C>G on the plus strand (G>C on the coding strand, the complement: KIAA1549 is on the minus strand). VCF-style: chr7-138911176-C-G. GRCh37 (hg19) VCF-style: chr7-138595922-C-G.
Other names: c.3115G>C, p.Val1039Leu (NM_020910.3); short protein forms V1039L.
Identifiers: ClinVar variation 1713426 (VCV001713426.5), dbSNP rs780276189, ClinGen allele CA369388602.
Genomic context (GRCh38, chr7:138,911,176, plus strand): 5'-AATAAAAACAACTATGCTGAGCTGTCTCACCTGTTTGAACTTGGAACCTGGACTCTGGCA[C>G]AAGGAAAGAAGGTTTCACAGACAGGATTAAAGGAGTCTGGTCACGGACAAGCTTACTGTT-3'
Protein context (NP_001158137.1, residues 1029-1049): LILSVKPSFL[Val1039Leu]PESRFQVQTV